The following is an entry in ClinVar:

ClinVar aggregate classification (germline): Uncertain significance. Review status: criteria provided, multiple submitters, no conflicts (2 of 4 stars). 2 submissions from 2 submitters: Uncertain significance (2). Last evaluated 2026-09-25.

Conditions:
GBA1-related disorder. Also called: GBA1-related condition.

Submissions (2):

PreventionGenetics, part of Exact Sciences
Classification: Uncertain significance for GBA1-related condition. Last evaluated: 2026-09-25. Review status: criteria provided, single submitter. Criteria: ACMG Guidelines, 2015. Collection method: clinical testing. Allele origin: germline.
Comment: The GBA1 c.1453G>C variant is predicted to result in the amino acid substitution p.Ala485Pro. This variant has not been reported in a large population database (gnomAD), indicating this variant is rare. At this time, the clinical significance of this variant is uncertain due to the absence of conclusive functional and genetic evidence.

CeGaT Center for Human Genetics Tuebingen
Classification: Uncertain significance. Last evaluated: 2018-10-01. Review status: criteria provided, single submitter. Criteria: CeGaT Center For Human Genetics Tuebingen Variant Classification Criteria Version 2. Collection method: clinical testing. Allele origin: germline. Affected: yes. Observed: 1 variant allele.

NM_000157.4(GBA1):c.1453G>C (p.Ala485Pro)

Genes: GBA1 (glucosylceramidase beta 1; minus strand), LOC106627981 (GBA recombination region; plus strand). Cytogenetic location: 1q22.
Variant type: single nucleotide variant.
Coding change: c.1453G>C on transcript NM_000157.4 (MANE Select); coding-DNA position 1453, G replaced by C.
Protein change: p.Ala485Pro; replaces alanine 485 with proline.
Molecular consequence: missense variant.
Genome position (GRCh38, 1-based): chr1:155,235,247, C>G on the plus strand (G>C on the coding strand, the complement: GBA1 is on the minus strand). VCF-style: chr1-155235247-C-G. GRCh37 (hg19) VCF-style: chr1-155205038-C-G.
Other names: c.1453G>C, p.Ala485Pro (NM_001005741.3, NM_001005742.3); c.1192G>C, p.Ala398Pro (NM_001171811.2); c.1306G>C, p.Ala436Pro (NM_001171812.2); c.1453G>C (NM_001005741.2); short protein forms A485P, A436P, A398P.
Identifiers: ClinVar variation 806228 (VCV000806228.43), dbSNP rs759859002, ClinGen allele CA342711514.